The following is an entry in ClinVar:

ClinVar aggregate classification (germline): Uncertain significance (1 of 4 stars; one submission).

Conditions:
Developmental and epileptic encephalopathy 6B. Also called: Developmental and epileptic encephalopathy 6B, non-Dravet. Identifiers: MedGen C5543353, MONDO:0030268, OMIM 619317.

Submission:

Institute of Human Genetics, University of Goettingen
Classification: Uncertain significance for Developmental and epileptic encephalopathy 6B. Last evaluated: 2022-01-24. Review status: criteria provided, single submitter. Criteria: ACMG Guidelines, 2015. Collection method: clinical testing. Allele origin: germline. Inheritance: Autosomal dominant inheritance. Affected: yes. Observed: 1 heterozygote.
Comment: The variant is not listed in any database and is not described in literature. It affects a highly conserved amino acid within a highly conserved region. The variant is not listed in gnomAD. All prediction programs predict a damaging effect of the variant. In conclusion, we classify this variant as Variant of unknown clinical significance. ACMG criteria: PM2, PP2, PP3

NM_001165963.4(SCN1A):c.1700G>C (p.Arg567Thr)

Gene: SCN1A (sodium voltage-gated channel alpha subunit 1; minus strand). Cytogenetic location: 2q24.3.
Variant type: single nucleotide variant.
Coding change: c.1700G>C on transcript NM_001165963.4 (MANE Select); coding-DNA position 1700, G replaced by C.
Protein change: p.Arg567Thr; replaces arginine 567 with threonine.
Molecular consequence: missense variant. On other transcripts: 5 prime UTR variant (1), non-coding transcript variant (1).
Genome position (GRCh38, 1-based): chr2:166,044,012, C>G on the plus strand (G>C on the coding strand, the complement: SCN1A is on the minus strand). VCF-style: chr2-166044012-C-G. GRCh37 (hg19) VCF-style: chr2-166900522-C-G.
Other names: c.1700G>C, p.Arg567Thr (NM_001353957.2, NM_001353958.2, NM_006920.6 and 7 more transcripts); c.1697G>C, p.Arg566Thr (NM_001353960.2, NM_001353954.2, NM_001353955.2); c.-726G>C (NM_001353961.2); short protein forms R566T, R567T.
Identifiers: ClinVar variation 1334789 (VCV001334789.2), dbSNP rs1176739172, ClinGen allele CA349068022.